The following is an entry in ClinVar:

NM_000348.4(SRD5A2):c.271T>C (p.Tyr91His)

Gene: SRD5A2 (steroid 5 alpha-reductase 2; minus strand). Cytogenetic location: 2p23.1.
Variant type: single nucleotide variant.
Coding change: c.271T>C on transcript NM_000348.4 (MANE Select); coding-DNA position 271, T replaced by C.
Protein change: p.Tyr91His; replaces tyrosine 91 with histidine.
Molecular consequence: missense variant.
Genome position (GRCh38, 1-based): chr2:31,580,630, A>G on the plus strand (T>C on the coding strand, the complement: SRD5A2 is on the minus strand). VCF-style: chr2-31580630-A-G. GRCh37 (hg19) VCF-style: chr2-31805700-A-G.
Other names: short protein forms Y91H.
Identifiers: ClinVar variation 492899 (VCV000492899.16), dbSNP rs201175894, ClinGen allele CA1599996.

ClinVar aggregate classification (germline): Pathogenic/Likely pathogenic. Review status: criteria provided, multiple submitters, no conflicts (2 of 4 stars). 8 submissions from 8 submitters: Pathogenic (5); Likely pathogenic (3). Last evaluated 2025-02-21.

Conditions:
SRD5A2-related disorder. Also called: SRD5A2-related condition.
3-Oxo-5 alpha-steroid delta 4-dehydrogenase deficiency (PPSH). Also called: 46,XY disorder of sex development due to 5-alpha-reductase 2 deficiency; FAMILIAL INCOMPLETE MALE PSEUDOHERMAPHRODITISM, TYPE 2; MALE PSEUDOHERMAPHRODITISM DUE TO 5-ALPHA-REDUCTASE DEFICIENCY; PSEUDOVAGINAL PERINEOSCROTAL HYPOSPADIAS. Identifiers: Orphanet 753, MedGen C0268297, MONDO:0009923, OMIM 264600. Disease mechanism: loss of function.

Allele frequency attached by ClinVar (database versions not stated): TOPMed 0.00001.
gnomAD v4.1: 11 of 1,569,840 alleles (0.0007%); highest among the groups gnomAD compares: Middle Eastern, 0.037%; no homozygotes.

Submissions (8):

3billion
Classification: Likely pathogenic for 3-Oxo-5 alpha-steroid delta 4-dehydrogenase deficiency. Last evaluated: 2025-02-21. Review status: criteria provided, single submitter. Criteria: ACMG Guidelines, 2015. Collection method: clinical testing. Allele origin: germline. Affected: yes.
Comment: The variant is observed at an extremely low frequency in the gnomAD v4.1.0 dataset (total allele frequency: <0.001%). Predicted Consequence/Location: Missense variant In silico tool predictions suggest damaging effect of the variant on gene or gene product [3Cnet: 0.98 (>=0.6, sensitivity 0.72 and precision 0.9)]. The same nucleotide change resulting in the same amino acid change has been previously reported as pathogenic/likely pathogenic with strong evidence (ClinVar ID: VCV000492899 /3billion dataset).A different missense change at the same codon (p.Tyr91Asp) has been reported to be associated with SRD5A2-related disorder (ClinVar ID: VCV000492898 /PMID: 8262007). Therefore, this variant is classified as Likely pathogenic according to the recommendation of ACMG/AMP guideline.

Genomic Medicine Center of Excellence, King Faisal Specialist Hospital and Research Centre
Classification: Likely pathogenic for 3-Oxo-5 alpha-steroid delta 4-dehydrogenase deficiency. Last evaluated: 2024-12-19. Review status: criteria provided, single submitter. Criteria: ACMG Guidelines, 2015. Collection method: clinical testing. Allele origin: germline.

Blueprint Genetics
Classification: Pathogenic for SRD5A2-related disorders. Last evaluated: 2024-08-26. Review status: criteria provided, single submitter. Criteria: ACMG Guidelines, 2015. Collection method: clinical testing. Allele origin: germline. Affected: yes. Observed: 2 variant alleles.

Clinical Genetics and Genomics, Karolinska University Hospital
Classification: Pathogenic for 3-Oxo-5 alpha-steroid delta 4-dehydrogenase deficiency. Last evaluated: 2024-08-23. Review status: criteria provided, single submitter. Criteria: ACMG Guidelines, 2015. Collection method: clinical testing. Allele origin: germline. Inheritance: Autosomal recessive inheritance. Affected: yes.

Fulgent Genetics
Classification: Pathogenic for 3-Oxo-5 alpha-steroid delta 4-dehydrogenase deficiency. Last evaluated: 2024-05-07. Review status: criteria provided, single submitter. Criteria: ACMG Guidelines, 2015. Collection method: clinical testing. Allele origin: germline.

Labcorp Genetics (formerly Invitae), Labcorp
Classification: Pathogenic for 3-Oxo-5 alpha-steroid delta 4-dehydrogenase deficiency. Last evaluated: 2024-01-22. Review status: criteria provided, single submitter. Criteria: Invitae Variant Classification Sherloc (09022015). Collection method: clinical testing. Allele origin: germline.
Comment: This sequence change replaces tyrosine, which is neutral and polar, with histidine, which is basic and polar, at codon 91 of the SRD5A2 protein (p.Tyr91His). The frequency data for this variant in the population databases is considered unreliable, as metrics indicate poor data quality at this position in the gnomAD database. This missense change has been observed in individuals with disorders of sex development (PMID: 21147889, 24737579, 288959874). It has also been observed to segregate with disease in related individuals. ClinVar contains an entry for this variant (Variation ID: 492899). Advanced modeling of protein sequence and biophysical properties (such as structural, functional, and spatial information, amino acid conservation, physicochemical variation, residue mobility, and thermodynamic stability) performed at Invitae indicates that this missense variant is expected to disrupt SRD5A2 protein function with a positive predictive value of 80%. This variant disrupts the p.Tyr91 amino acid residue in SRD5A2. Other variant(s) that disrupt this residue have been determined to be pathogenic (PMID: 8110760, 8262007, 21631525). This suggests that this residue is clinically significant, and that variants that disrupt this residue are likely to be disease-causing. For these reasons, this variant has been classified as Pathogenic.

Genetic Services Laboratory, University of Chicago
Classification: Likely pathogenic. Last evaluated: 2019-05-22. Review status: criteria provided, single submitter. Criteria: ACMG Guidelines, 2015. Collection method: clinical testing. Allele origin: germline. Affected: yes.
Comment: DNA sequence analysis of the SRD5A2 gene demonstrated a sequence change, c.271T>C, in the apparently homozygous state in exon 1 that results in an amino acid change, p.Tyr91His. The p.Tyr91His change affects a highly conserved amino acid residue located in a domain of the SRD5A2 protein that is not known to be functional. The p.Tyr91His substitution appears to be deleterious using several in-silico pathogenicity prediction tools (SIFT, PolyPhen2, Align GVGD). This sequence change has previously been described in patients with incomplete virilization or partial androgen insensitivity and 5-alpha-reductase-2 enzyme deficiency (Maimoun et al.,2011 and Akcay et al., 2014). This sequence change has been described in the gnomAD database with a low population frequency of 0.0010% (dbSNP rs201175894).

Clinical Molecular Genetics Laboratory, Johns Hopkins All Children's Hospital
Classification: Pathogenic for 3-Oxo-5 alpha-steroid delta 4-dehydrogenase deficiency. Last evaluated: 2017-10-31. Review status: criteria provided, single submitter. Criteria: ACMG Guidelines, 2015. Collection method: clinical testing. Allele origin: germline. Affected: yes.

Literature cited by the submitters: PubMed 8262007 (cited by 3billion and Labcorp Genetics (formerly Invitae), Labcorp); PubMed 21147889 (cited by Labcorp Genetics (formerly Invitae), Labcorp); PubMed 24737579 (cited by Labcorp Genetics (formerly Invitae), Labcorp); PubMed 288959874 (cited by Labcorp Genetics (formerly Invitae), Labcorp); PubMed 8110760 (cited by Labcorp Genetics (formerly Invitae), Labcorp); PubMed 21631525 (cited by Labcorp Genetics (formerly Invitae), Labcorp).